The following is an entry in ClinVar:

NM_004168.4(SDHA):c.-18G>C

Gene: SDHA (succinate dehydrogenase complex flavoprotein subunit A; plus strand). Cytogenetic location: 5p15.33.
Variant type: single nucleotide variant.
Coding change: c.-18G>C on transcript NM_004168.4 (MANE Select); 18 bases upstream of the start codon, G replaced by C.
Molecular consequence: 5 prime UTR variant.
Genome position (GRCh38, 1-based): chr5:218,338, G>C. VCF-style: chr5-218338-G-C. GRCh37 (hg19) VCF-style: chr5-218453-G-C.
Other names: c.-18G>C (NM_001294332.2, NM_001330758.2).
Identifiers: ClinVar variation 4688369 (VCV004688369.1).

ClinVar aggregate classification (germline): Uncertain significance (1 of 4 stars; one submission).

gnomAD v4.1: 6 of 1,444,688 alleles (0.00042%); highest among the groups gnomAD compares: Admixed American, 0.0053%; no homozygotes.

Submission:

Women's Health and Genetics/Laboratory Corporation of America, LabCorp
Classification: Uncertain significance. Last evaluated: 2025-12-11. Review status: criteria provided, single submitter. Criteria: LabCorp Variant Classification Summary - May 2015. Collection method: clinical testing. Allele origin: germline.
Comment: Variant summary: SDHA c.-18G>C is located in the untranslated mRNA region upstream of the initiation codon. The variant allele was found at a frequency of 3.2e-05 in 94364 control chromosomes. The available data on variant occurrences in the general population are insufficient to allow any conclusion about variant significance. To our knowledge, no occurrence of c.-18G>C in individuals affected with SDHA-related conditions and no experimental evidence demonstrating its impact on protein function have been reported. No submitters have cited clinical-significance assessments for this variant to ClinVar. Based on the evidence outlined above, the variant was classified as uncertain significance.